The following is an entry in ClinVar:

ClinVar aggregate classification (germline): Benign. Review status: criteria provided, multiple submitters, no conflicts (2 of 4 stars). 5 submissions from 5 submitters: Benign (5). Last evaluated 2026-02-02.

Conditions:
Deficiency of acetyl-CoA acetyltransferase. Also called: 3-OXOTHIOLASE DEFICIENCY; 3-KETOTHIOLASE DEFICIENCY; Beta-ketothiolase deficiency; MITOCHONDRIAL ACETOACETYL-CoA THIOLASE DEFICIENCY. Identifiers: Orphanet 134, MedGen C1536500, MONDO:0008760, OMIM 203750. Disease mechanism: loss of function.

Submissions (5):

Labcorp Genetics (formerly Invitae), Labcorp
Classification: Benign for Deficiency of acetyl-CoA acetyltransferase. Last evaluated: 2026-02-02. Review status: criteria provided, single submitter. Criteria: Invitae Variant Classification Sherloc (09022015). Collection method: clinical testing. Allele origin: germline.

Mayo Clinic Laboratories, Mayo Clinic
Classification: Benign. Last evaluated: 2025-12-15. Review status: criteria provided, single submitter. Criteria: ACMG Guidelines, 2015. Collection method: clinical testing. Allele origin: germline. Observed: 52 variant alleles.
Comment: BA1

Molecular Genetics, Royal Melbourne Hospital
Classification: Benign for Deficiency of acetyl-CoA acetyltransferase. Last evaluated: 2023-06-14. Review status: criteria provided, single submitter. Criteria: ACMG Guidelines, 2015. Collection method: clinical testing. Allele origin: germline. Inheritance: Autosomal recessive inheritance. Affected: no.

Fulgent Genetics
Classification: Benign for Deficiency of acetyl-CoA acetyltransferase. Last evaluated: 2021-08-17. Review status: criteria provided, single submitter. Criteria: ACMG Guidelines, 2015. Collection method: clinical testing. Allele origin: unknown.

GeneDx
Classification: Benign. Last evaluated: 2020-07-22. Review status: criteria provided, single submitter. Criteria: GeneDx Variant Classification Process June 2021. Collection method: clinical testing. Allele origin: germline. Affected: yes.

NM_000019.4(ACAT1):c.239-8del

Gene: ACAT1 (acetyl-CoA acetyltransferase 1; plus strand). Cytogenetic location: 11q22.3.
Variant type: Deletion.
Coding change: c.239-8del on transcript NM_000019.4 (MANE Select); 8 bases into the intron before coding-DNA position 239, one base deleted (T; older notation c.239-8delT).
Molecular consequence: intron variant.
Genome position (GRCh38, 1-based): chr11:108,134,213, T deleted; the last of 13 consecutive T bases (chr11:108,134,201-108,134,213); deleting any one gives the same sequence. VCF-style (leftmost placement, unchanged base first): chr11-108134200-CT-C. GRCh37 (hg19) VCF-style: chr11-108004927-CT-C.
Other names: p.?; c.239-8delT (NM_000019.4); c.-32-8del (NM_001386682.1, NM_001386681.1, NM_001386685.1 and 6 more transcripts); c.239-8del (NM_001386677.1); c.-39-8del (NM_001386679.1); c.120+2259del (NM_001386678.1).
Identifiers: ClinVar variation 1292232 (VCV001292232.8), dbSNP rs201199156, ClinGen allele CA6263056.